The following is an entry in ClinVar:

NM_207037.2(TCF12):c.1168G>A (p.Glu390Lys)

Gene: TCF12 (transcription factor 12; plus strand). Cytogenetic location: 15q21.3.
Variant type: single nucleotide variant.
Coding change: c.1168G>A on transcript NM_207037.2 (MANE Select); coding-DNA position 1168, G replaced by A.
Protein change: p.Glu390Lys; replaces glutamic acid 390 with lysine.
Molecular consequence: missense variant.
Genome position (GRCh38, 1-based): chr15:57,251,403, G>A. VCF-style: chr15-57251403-G-A. GRCh37 (hg19) VCF-style: chr15-57543601-G-A.
Other names: c.658G>A, p.Glu220Lys (NM_001306219.3, NM_207040.2); c.460G>A, p.Glu154Lys (NM_001306220.3); c.1168G>A, p.Glu390Lys (NM_001322151.2, NM_001322152.2, NM_001322157.3 and 7 more transcripts); c.511G>A, p.Glu171Lys (NM_001322154.2); c.994G>A, p.Glu332Lys (NM_001322156.2, NM_001322158.2); c.1204G>A, p.Glu402Lys (NM_001322164.2); short protein forms E171K, E154K, E220K, E390K, E332K, E402K.
Identifiers: ClinVar variation 3643789 (VCV003643789.2).

ClinVar aggregate classification (germline): Uncertain significance (1 of 4 stars; one submission).

Submission:

Labcorp Genetics (formerly Invitae), Labcorp
Classification: Uncertain significance. Last evaluated: 2024-03-01. Review status: criteria provided, single submitter. Criteria: Invitae Variant Classification Sherloc (09022015). Collection method: clinical testing. Allele origin: germline.
Comment: This sequence change replaces glutamic acid, which is acidic and polar, with lysine, which is basic and polar, at codon 390 of the TCF12 protein (p.Glu390Lys). This variant is not present in population databases (gnomAD no frequency). This variant has not been reported in the literature in individuals affected with TCF12-related conditions. Advanced modeling of protein sequence and biophysical properties (such as structural, functional, and spatial information, amino acid conservation, physicochemical variation, residue mobility, and thermodynamic stability) performed at Invitae indicates that this missense variant is not expected to disrupt TCF12 protein function with a negative predictive value of 80%. Algorithms developed to predict the effect of sequence changes on RNA splicing suggest that this variant may disrupt the consensus splice site. In summary, the available evidence is currently insufficient to determine the role of this variant in disease. Therefore, it has been classified as a Variant of Uncertain Significance.